The following is an entry in ClinVar:

ClinVar aggregate classification (germline): Uncertain significance. Review status: criteria provided, multiple submitters, no conflicts (2 of 4 stars). 2 submissions from 2 submitters: Uncertain significance (2). Last evaluated 2024-04-13.

Conditions:
Charcot-Marie-Tooth disease axonal type 2O. Also called: CHARCOT-MARIE-TOOTH NEUROPATHY, AXONAL, TYPE 2O; CHARCOT-MARIE-TOOTH DISEASE, AXONAL, AUTOSOMAL DOMINANT, TYPE 2O; Charcot-Marie-Tooth Neuropathy Type 2O; Charcot-Marie-Tooth disease, axonal, type 20. Identifiers: Orphanet 284232, MedGen C3280220, MONDO:0013644, OMIM 614228.

gnomAD v4.1: 1 of 1,614,156 alleles (0.000062%); highest among the groups gnomAD compares: African/African-American, 0.0013%; no homozygotes.

Submissions (2):

Labcorp Genetics (formerly Invitae), Labcorp
Classification: Uncertain significance for Charcot-Marie-Tooth disease axonal type 2O. Last evaluated: 2024-04-13. Review status: criteria provided, single submitter. Criteria: Invitae Variant Classification Sherloc (09022015). Collection method: clinical testing. Allele origin: germline.
Comment: This sequence change replaces proline, which is neutral and non-polar, with serine, which is neutral and polar, at codon 4040 of the DYNC1H1 protein (p.Pro4040Ser). This variant is not present in population databases (gnomAD no frequency). This variant has not been reported in the literature in individuals affected with DYNC1H1-related conditions. Advanced modeling of protein sequence and biophysical properties (such as structural, functional, and spatial information, amino acid conservation, physicochemical variation, residue mobility, and thermodynamic stability) has been performed at Invitae for this missense variant, however the output from this modeling did not meet the statistical confidence thresholds required to predict the impact of this variant on DYNC1H1 protein function. In summary, the available evidence is currently insufficient to determine the role of this variant in disease. Therefore, it has been classified as a Variant of Uncertain Significance.

GeneDx
Classification: Uncertain significance. Last evaluated: 2024-03-25. Review status: criteria provided, single submitter. Criteria: GeneDx Variant Classification Process June 2021. Collection method: clinical testing. Allele origin: germline. Affected: yes.
Comment: Not observed at significant frequency in large population cohorts (gnomAD); In silico analysis supports that this missense variant has a deleterious effect on protein structure/function; Has not been previously published as pathogenic or benign to our knowledge; This variant is associated with the following publications: (PMID: 25512093, 25609763, 26100331)

NM_001376.5(DYNC1H1):c.12118C>T (p.Pro4040Ser)

Gene: DYNC1H1 (dynein cytoplasmic 1 heavy chain 1; plus strand). Cytogenetic location: 14q32.31.
Variant type: single nucleotide variant.
Coding change: c.12118C>T on transcript NM_001376.5 (MANE Select); coding-DNA position 12118, C replaced by T.
Protein change: p.Pro4040Ser; replaces proline 4040 with serine.
Molecular consequence: missense variant.
Genome position (GRCh38, 1-based): chr14:102,042,028, C>T. VCF-style: chr14-102042028-C-T. GRCh37 (hg19) VCF-style: chr14-102508365-C-T.
Other names: short protein forms P4040S.
Identifiers: ClinVar variation 3371373 (VCV003371373.3).